The following is an entry in ClinVar:

ClinVar aggregate classification (germline): Uncertain significance (1 of 4 stars; one submission).

Conditions:
Arrhythmogenic right ventricular dysplasia 8 (ARVD8). Also called: Arrhythmogenic Right Ventricular Dysplasia/Cardiomyopathy 8; ARRHYTHMOGENIC RIGHT VENTRICULAR DYSPLASIA, FAMILIAL, 8; ARRHYTHMOGENIC RIGHT VENTRICULAR CARDIOMYOPATHY 8. Identifiers: MedGen C1843896, MONDO:0011831, OMIM 607450.
Arrhythmogenic cardiomyopathy with wooly hair and keratoderma. Also called: PALMOPLANTAR KERATODERMA WITH LEFT VENTRICULAR CARDIOMYOPATHY AND WOOLLY HAIR; Carvajal syndrome; Dilated cardiomyopathy with woolly hair and keratoderma; Arrhythmogenic cardiomyopathy with woolly hair and keratoderma. Identifiers: Orphanet 65282, MedGen C1854063, MONDO:0011581, OMIM 605676.

Submission:

Labcorp Genetics (formerly Invitae), Labcorp
Classification: Uncertain significance for Arrhythmogenic cardiomyopathy with wooly hair and keratoderma; Arrhythmogenic right ventricular dysplasia 8. Last evaluated: 2024-03-11. Review status: criteria provided, single submitter. Criteria: Invitae Variant Classification Sherloc (09022015). Collection method: clinical testing. Allele origin: germline.
Comment: This sequence change replaces glutamine, which is neutral and polar, with glutamic acid, which is acidic and polar, at codon 2730 of the DSP protein (p.Gln2730Glu). This variant is not present in population databases (gnomAD no frequency). This variant has not been reported in the literature in individuals affected with DSP-related conditions. An algorithm developed to predict the effect of missense changes on protein structure and function (PolyPhen-2) suggests that this variant is likely to be disruptive. In summary, the available evidence is currently insufficient to determine the role of this variant in disease. Therefore, it has been classified as a Variant of Uncertain Significance.

NM_004415.4(DSP):c.8188C>G (p.Gln2730Glu)

Gene: DSP (desmoplakin; plus strand). Cytogenetic location: 6p24.3.
Variant type: single nucleotide variant.
Coding change: c.8188C>G on transcript NM_004415.4 (MANE Select); coding-DNA position 8188, C replaced by G.
Protein change: p.Gln2730Glu; replaces glutamine 2730 with glutamic acid.
Molecular consequence: missense variant.
Genome position (GRCh38, 1-based): chr6:7,585,450, C>G. VCF-style: chr6-7585450-C-G. GRCh37 (hg19) VCF-style: chr6-7585683-C-G.
Other names: c.6391C>G, p.Gln2131Glu (NM_001008844.3); c.6859C>G, p.Gln2287Glu (NM_001319034.2); short protein forms Q2131E, Q2287E, Q2730E.
Identifiers: ClinVar variation 3755223 (VCV003755223.2).